The following is an entry in ClinVar:

ClinVar aggregate classification (germline): Pathogenic (1 of 4 stars; one submission).

Conditions:
Werner syndrome (WRN). Identifiers: Orphanet 902, MedGen C0043119, MONDO:0010196, OMIM 277700.

Submission:

Labcorp Genetics (formerly Invitae), Labcorp
Classification: Pathogenic for Werner syndrome. Last evaluated: 2024-05-02. Review status: criteria provided, single submitter. Criteria: Invitae Variant Classification Sherloc (09022015). Collection method: clinical testing. Allele origin: germline.
Comment: This sequence change creates a premature translational stop signal (p.Thr703Asnfs*29) in the WRN gene. It is expected to result in an absent or disrupted protein product. Loss-of-function variants in WRN are known to be pathogenic (PMID: 16673358). This variant is not present in population databases (gnomAD no frequency). This variant has not been reported in the literature in individuals affected with WRN-related conditions. ClinVar contains an entry for this variant (Variation ID: 458405). For these reasons, this variant has been classified as Pathogenic.

Literature cited by the submitters: PubMed 16673358.

NM_000553.6(WRN):c.2107dup (p.Thr703fs)

Gene: WRN (WRN RecQ like helicase; plus strand). Cytogenetic location: 8p12.
Variant type: Duplication.
Coding change: c.2107dup on transcript NM_000553.6 (MANE Select); coding-DNA position 2107, one base duplicated (A; older notation c.2107dupA).
Protein change: p.Thr703fs; shifts the reading frame from threonine 703.
Molecular consequence: frameshift variant.
Genome position (GRCh38, 1-based): chr8:31,111,633, A duplicated. VCF-style (leftmost placement, unchanged base first): chr8-31111632-T-TA. GRCh37 (hg19) VCF-style: chr8-30969148-T-TA.
Other names: c.2107dupA (NM_000553.4); short protein forms T703fs.
Identifiers: ClinVar variation 458405 (VCV000458405.5), dbSNP rs1554526707, ClinGen allele CA658657754.